The following is an entry in ClinVar:

ClinVar aggregate classification (germline): Pathogenic. Review status: no assertion criteria provided (0 of 4 stars). 2 submissions from 2 submitters: Pathogenic (2). Last evaluated 2012-05-10.

Conditions:
Dyskeratosis congenita, autosomal dominant 1 (DKCA1). Also called: Dyskeratosis congenita Scoggins type. Identifiers: Orphanet 1775, MedGen C4551974, MONDO:0007485, OMIM 127550. Inheritance: Variable.

Submissions (2):

GeneReviews
Classification: Pathogenic for Dyskeratosis Congenita. Last evaluated: 2012-05-10. Review status: no assertion criteria provided. Collection method: curation. Allele origin: unknown.
ClinVar note: Converted during submission from pathologic to Pathogenic.

OMIM
Classification: Pathogenic for DYSKERATOSIS CONGENITA, AUTOSOMAL DOMINANT 1. Last evaluated: 2001-09-27. Review status: no assertion criteria provided. Collection method: literature only. Allele origin: germline.

Literature cited by the submitters: PubMed 11574891 (cited by OMIM).

NR_001566.3(TERC):n.107_108delGCinsAG

Genes: TERC (telomerase RNA component; minus strand), LOC110806306 (telomerase RNA component (TERC) promoter; plus strand). Cytogenetic location: 3q26.2.
Variant type: Indel.
Genome position: GRCh38 VCF-style: chr3-169764953-GC-CT. GRCh37 (hg19) VCF-style: chr3-169482741-GC-CT.
Identifiers: ClinVar variation 7321 (VCV000007321.4), dbSNP rs199476393, ClinGen allele CA340672.
Genomic context (GRCh38, chr3:169,764,953, plus strand): 5'-TTGCTCTAGAATGAACGGTGGAAGGCGGCAGGCCGAGGCTTTTCCGCCCGCTGAAAGTCA[GC>CT]GAGAAAAACAGCGCGCGGGGAGCAAAAGCACGGCGCCTACGCCCTTCTCAGTTAGGGTTA-3'